The following is an entry in ClinVar:

NM_000021.4(PSEN1):c.1271T>G (p.Leu424Arg)

Gene: PSEN1 (presenilin 1; plus strand). Cytogenetic location: 14q24.2.
Variant type: single nucleotide variant.
Coding change: c.1271T>G on transcript NM_000021.4 (MANE Select); coding-DNA position 1271, T replaced by G.
Protein change: p.Leu424Arg; replaces leucine 424 with arginine.
Molecular consequence: missense variant.
Genome position (GRCh38, 1-based): chr14:73,219,156, T>G. VCF-style: chr14-73219156-T-G. GRCh37 (hg19) VCF-style: chr14-73685864-T-G.
Other names: c.1259T>G, p.Leu420Arg (NM_007318.3); short protein forms L424R, L420R.
Identifiers: ClinVar variation 98112 (VCV000098112.2), dbSNP rs63751032, ClinGen allele CA225179.

ClinVar aggregate classification (germline): Pathogenic. Review status: criteria provided, single submitter (1 of 4 stars). 2 submissions from 2 submitters: Pathogenic (1). 1 of the submissions does not count toward it. Last evaluated 2025-08-15.

Conditions:
Alzheimer disease 3 (AD3). Also called: ALZHEIMER DISEASE, FAMILIAL, 3. Identifiers: Orphanet 1020, MedGen C1843013, MONDO:0011913, OMIM 607822.
Acne inversa, familial, 3 (ACNINV3). Identifiers: MedGen C3151038, MONDO:0013398, OMIM 613737.
Frontotemporal dementia (FTD1). Also called: Frontotemporal Dementia with Parkinsonism-17 (FTDP-17); FRONTOTEMPORAL DEMENTIA WITH PARKINSONISM; FRONTOTEMPORAL LOBE DEMENTIA; MULTIPLE SYSTEM TAUOPATHY WITH PRESENILE DEMENTIA; Dementia, frontotemporal, with or without parkinsonism; WILHELMSEN-LYNCH DISEASE. Identifiers: Orphanet 282, MedGen C0338451, MONDO:0017276, OMIM 600274, HP:0002145.
Pick disease. Also called: PICK DISEASE OF BRAIN; DEMENTIA WITH LOBAR ATROPHY AND NEURONAL CYTOPLASMIC INCLUSIONS; LOBAR ATROPHY OF BRAIN; Pick's disease; Pick Disease of the Brain. Identifiers: Orphanet 282, MedGen C0236642, MONDO:0008243, OMIM 172700.

Submissions (2):

Labcorp Genetics (formerly Invitae), Labcorp
Classification: Pathogenic for Alzheimer disease 3; Pick disease; Acne inversa, familial, 3; Frontotemporal dementia. Last evaluated: 2025-08-15. Review status: criteria provided, single submitter. Criteria: Invitae Variant Classification Sherloc (09022015). Collection method: clinical testing. Allele origin: germline.
Comment: This sequence change replaces leucine, which is neutral and non-polar, with arginine, which is basic and polar, at codon 424 of the PSEN1 protein (p.Leu424Arg). This variant is not present in population databases (gnomAD no frequency). This missense change has been observed in individuals with PSEN1-related conditions (PMID: 10337065, 10970053, 19494431). ClinVar contains an entry for this variant (Variation ID: 98112). Invitae Evidence Modeling of protein sequence and biophysical properties (such as structural, functional, and spatial information, amino acid conservation, physicochemical variation, residue mobility, and thermodynamic stability) indicates that this missense variant is expected to disrupt PSEN1 protein function with a positive predictive value of 95%. For these reasons, this variant has been classified as Pathogenic.

VIB  Department of Molecular Genetics, University of Antwerp
No classification provided. Review status: no classification provided. Collection method: not provided. Allele origin: not provided. Not counted in ClinVar's aggregate classification.

Literature cited by the submitters: PubMed 10337065 (cited by Labcorp Genetics (formerly Invitae), Labcorp); PubMed 10970053 (cited by Labcorp Genetics (formerly Invitae), Labcorp); PubMed 19494431 (cited by Labcorp Genetics (formerly Invitae), Labcorp).